The following is an entry in ClinVar:

ClinVar aggregate classification (germline): Uncertain significance (1 of 4 stars; one submission).

gnomAD v4.1: 1 of 1,552,856 alleles (0.000064%); highest among the groups gnomAD compares: African/African-American, 0.0014%; no homozygotes.

Submission:

Labcorp Genetics (formerly Invitae), Labcorp
Classification: Uncertain significance. Last evaluated: 2024-11-14. Review status: criteria provided, single submitter. Criteria: Invitae Variant Classification Sherloc (09022015). Collection method: clinical testing. Allele origin: germline.
Comment: This sequence change replaces asparagine, which is neutral and polar, with serine, which is neutral and polar, at codon 179 of the TOP2B protein (p.Asn179Ser). This variant is not present in population databases (gnomAD no frequency). This variant has not been reported in the literature in individuals affected with TOP2B-related conditions. An algorithm developed to predict the effect of missense changes on protein structure and function (PolyPhen-2) suggests that this variant is likely to be disruptive. In summary, the available evidence is currently insufficient to determine the role of this variant in disease. Therefore, it has been classified as a Variant of Uncertain Significance.

NM_001330700.2(TOP2B):c.551A>G (p.Asn184Ser)

Gene: TOP2B (DNA topoisomerase II beta; minus strand). Cytogenetic location: 3p24.2.
Variant type: single nucleotide variant.
Coding change: c.551A>G on transcript NM_001330700.2 (MANE Select); coding-DNA position 551, A replaced by G.
Protein change: p.Asn184Ser; replaces asparagine 184 with serine.
Molecular consequence: missense variant.
Genome position (GRCh38, 1-based): chr3:25,637,303, T>C on the plus strand (A>G on the coding strand, the complement: TOP2B is on the minus strand). VCF-style: chr3-25637303-T-C. GRCh37 (hg19) VCF-style: chr3-25678794-T-C.
Other names: c.536A>G, p.Asn179Ser (NM_001068.3); short protein forms N179S, N184S.
Identifiers: ClinVar variation 3722158 (VCV003722158.2).
Genomic context (GRCh38, chr3:25,637,303, plus strand): 5'-CAAGCTGTTTCTACTGTAAACTTTGTACTGAAAATATTACAAAGTTTTGCACCATAACCA[T>C]TACGACCACCTGTAAGAAAAATTAAATGTAAAAGGTTTAGTAAAAATGATTTTAAAGGAA-3'
Protein context (NP_001317629.1, residues 174-194): DDEKKVTGGR[Asn184Ser]GYGAKLCNIF